The following is an entry in ClinVar:

ClinVar aggregate classification (germline): Uncertain significance. Review status: criteria provided, multiple submitters, no conflicts (2 of 4 stars). 2 submissions from 2 submitters: Uncertain significance (2). Last evaluated 2025-10-01.

Conditions:
Inborn genetic diseases. Identifiers: MedGen C0950123, MeSH D030342.

Allele frequency attached by ClinVar (database versions not stated): gnomAD exomes below 0.00001; gnomAD 0.00002; ExAC 0.00003; TOPMed 0.00003.

Submissions (2):

Labcorp Genetics (formerly Invitae), Labcorp
Classification: Uncertain significance. Last evaluated: 2025-10-01. Review status: criteria provided, single submitter. Criteria: Invitae Variant Classification Sherloc (09022015). Collection method: clinical testing. Allele origin: germline.
Comment: This sequence change replaces arginine, which is basic and polar, with cysteine, which is neutral and slightly polar, at codon 544 of the RBP3 protein (p.Arg544Cys). This variant is present in population databases (rs782114958, gnomAD 0.03%). This variant has not been reported in the literature in individuals affected with RBP3-related conditions. ClinVar contains an entry for this variant (Variation ID: 2317221). Invitae Evidence Modeling of protein sequence and biophysical properties (such as structural, functional, and spatial information, amino acid conservation, physicochemical variation, residue mobility, and thermodynamic stability) indicates that this missense variant is not expected to disrupt RBP3 protein function with a negative predictive value of 80%. In summary, the available evidence is currently insufficient to determine the role of this variant in disease. Therefore, it has been classified as a Variant of Uncertain Significance.

Ambry Genetics
Classification: Uncertain significance for Inborn genetic diseases. Last evaluated: 2022-10-05. Review status: criteria provided, single submitter. Criteria: Ambry Variant Classification Scheme 2023. Collection method: clinical testing. Allele origin: germline.

NM_002900.3(RBP3):c.1630C>T (p.Arg544Cys)

Gene: RBP3 (retinol binding protein 3; plus strand). Cytogenetic location: 10q11.22.
Variant type: single nucleotide variant.
Coding change: c.1630C>T on transcript NM_002900.3 (MANE Select); coding-DNA position 1630, C replaced by T.
Protein change: p.Arg544Cys; replaces arginine 544 with cysteine.
Molecular consequence: missense variant.
Genome position (GRCh38, 1-based): chr10:47,350,114, C>T. VCF-style: chr10-47350114-C-T. GRCh37 (hg19) VCF-style: chr10-48389248-G-A.
Other names: short protein forms R544C.
Identifiers: ClinVar variation 2317221 (VCV002317221.3), dbSNP rs782114958, ClinGen allele CA5487477.
Genomic context (GRCh38, chr10:47,350,114, plus strand): 5'-ATGGAGCTCCCGGGCCCACGCTACAGCACCCAACGTGGGGTGTATCTGCTCACCAGCCAC[C>T]GCACCGCCACGGCCGCGGAGGAGTTCGCCTTCCTTATGCAGTCGCTGGGCTGGGCCACAC-3'
Protein context (NP_002891.1, residues 534-554): QRGVYLLTSH[Arg544Cys]TATAAEEFAF